The following is an entry in ClinVar:

NM_024675.4(PALB2):c.2818del (p.Glu940fs)

Gene: PALB2 (partner and localizer of BRCA2; minus strand). Cytogenetic location: 16p12.2.
Variant type: Deletion.
Coding change: c.2818del on transcript NM_024675.4 (MANE Select); coding-DNA position 2818, one base deleted (G; older notation c.2818delG).
Protein change: p.Glu940fs; shifts the reading frame from glutamic acid 940.
Molecular consequence: frameshift variant.
Genome position (GRCh38, 1-based): chr16:23,624,025, C deleted on the plus strand (G on the coding strand, the reverse complement: PALB2 is on the minus strand); the first of 2 consecutive C bases (chr16:23,624,025-23,624,026); deleting either gives the same sequence. VCF-style (leftmost placement, unchanged base first): chr16-23624024-TC-T. GRCh37 (hg19) VCF-style: chr16-23635345-TC-T.
Other names: c.2818delG (NM_024675.3); short protein forms E940fs.
Identifiers: ClinVar variation 460956 (VCV000460956.8), dbSNP rs1555459709, ClinGen allele CA658658402.

ClinVar aggregate classification (germline): Pathogenic. Review status: criteria provided, multiple submitters, no conflicts (2 of 4 stars). 2 submissions from 2 submitters: Pathogenic (2). Last evaluated 2023-09-13.

Conditions:
Familial cancer of breast. Also called: BREAST CANCER, FAMILIAL; Hereditary breast cancer; hereditary breast carcinoma. Identifiers: Orphanet 227535, MedGen C0346153, MONDO:0016419, OMIM 114480. Disease mechanism: loss of function.

Submissions (2):

Myriad Genetics, Inc.
Classification: Pathogenic for Familial cancer of breast. Last evaluated: 2023-09-13. Review status: criteria provided, single submitter. Criteria: Myriad Autosomal Dominant, Autosomal Recessive and X-Linked Classification Criteria (2023). Collection method: clinical testing. Allele origin: unknown.
Comment: This variant is considered pathogenic. This variant creates a frameshift predicted to result in premature protein truncation.

Labcorp Genetics (formerly Invitae), Labcorp
Classification: Pathogenic for Familial cancer of breast. Last evaluated: 2017-06-16. Review status: criteria provided, single submitter. Criteria: Invitae Variant Classification Sherloc (09022015). Collection method: clinical testing. Allele origin: germline.
Comment: For these reasons, this variant has been classified as Pathogenic. Loss-of-function variants in PALB2 are known to be pathogenic (PMID: 25099575, 17200668). This variant has not been reported in the literature in individuals with a PALB2-related disease. This variant is not present in population databases (ExAC no frequency). This sequence change creates a premature translational stop signal (p.Glu940Lysfs*22) in the PALB2 gene. It is expected to result in an absent or disrupted protein product.

Literature cited by the submitters: PubMed 25099575 (cited by Labcorp Genetics (formerly Invitae), Labcorp); PubMed 17200668 (cited by Labcorp Genetics (formerly Invitae), Labcorp).